The following is an entry in ClinVar:

ClinVar aggregate classification (germline): Conflicting classifications of pathogenicity. Review status: criteria provided, conflicting classifications (1 of 4 stars). 3 submissions from 3 submitters: Uncertain significance (2); Likely benign (1). Last evaluated 2026-02-13.

Conditions:
Hereditary cancer-predisposing syndrome. Also called: Tumor predisposition; Neoplastic Syndromes, Hereditary; Hereditary Cancer Syndrome; Hereditary neoplastic syndrome. Identifiers: Orphanet 140162, MedGen C0027672, MeSH D009386, MONDO:0015356.
Ataxia-telangiectasia-like disorder 1 (ATLD1). Identifiers: Orphanet 251347, MedGen C4012790, MONDO:0024557, OMIM 604391.
Ataxia-telangiectasia-like disorder (ATLD). Identifiers: MedGen C1858391, MONDO:0011457.

Allele frequency attached by ClinVar (database versions not stated): gnomAD exomes below 0.00001; TOPMed below 0.00001; ExAC 0.00001.
gnomAD v4.1: 1 of 1,612,172 alleles (0.000062%); highest among the groups gnomAD compares: Admixed American, 0.0017%; no homozygotes.

Submissions (3):

Ambry Genetics
Classification: Uncertain significance for Hereditary cancer-predisposing syndrome. Last evaluated: 2026-02-13. Review status: criteria provided, single submitter. Criteria: Ambry Variant Classification Scheme 2023. Collection method: clinical testing. Allele origin: germline.
Comment: The c.1868-5T>C intronic variant results from a T to C substitution 5 nucleotides upstream from coding exon 16 in the MRE11A gene. This nucleotide position is not well conserved in available vertebrate species, and C is the reference nucleotide in multiple species. In silico splice site analysis predicts that this alteration will not have any significant effect on splicing. Based on the available evidence, the clinical significance of this variant remains unclear.

Labcorp Genetics (formerly Invitae), Labcorp
Classification: Likely benign for Ataxia-telangiectasia-like disorder. Last evaluated: 2023-05-09. Review status: criteria provided, single submitter. Criteria: Invitae Variant Classification Sherloc (09022015). Collection method: clinical testing. Allele origin: germline.

Baylor Genetics
Classification: Uncertain significance for Ataxia-telangiectasia-like disorder 1. Last evaluated: 2021-02-09. Review status: criteria provided, single submitter. Criteria: ACMG Guidelines, 2015. Collection method: clinical testing. Allele origin: unknown. Affected: yes. Study: CSER-TexasKidsCanSeq.
Comment: This variant was determined to be of uncertain significance according to ACMG Guidelines, 2015 [PMID:25741868].

NM_005591.4(MRE11):c.1868-5T>C

Gene: MRE11 (MRE11 double strand break repair nuclease; minus strand). Cytogenetic location: 11q21.
Variant type: single nucleotide variant.
Coding change: c.1868-5T>C on transcript NM_005591.4 (MANE Select); 5 bases into the intron before coding-DNA position 1868, T replaced by C.
Molecular consequence: intron variant.
Genome position (GRCh38, 1-based): chr11:94,437,240, A>G on the plus strand (T>C on the coding strand, the complement: MRE11 is on the minus strand). VCF-style: chr11-94437240-A-G. GRCh37 (hg19) VCF-style: chr11-94170406-A-G.
Other names: c.1865-5T>C (NM_001330347.2); c.1784-5T>C (NM_005590.4).
Identifiers: ClinVar variation 820219 (VCV000820219.14), dbSNP rs773911334, ClinGen allele CA6234965.